The following is an entry in ClinVar:

ClinVar aggregate classification (germline): Conflicting classifications of pathogenicity. Review status: criteria provided, conflicting classifications (1 of 4 stars). 3 submissions from 3 submitters: Pathogenic (2); Uncertain significance (1). Last evaluated 2025-01-28.

Conditions:
Early-infantile DEE. Also called: Early infantile epileptic encephalopathy; Ohtahara syndrome; Early infantile epileptic encephalopathy with suppression bursts. Identifiers: Orphanet 1934, MedGen C0393706, MONDO:0800491.
SCN1A-related disorder. Also called: SCN1A-related disorders; SCN1A-related conditions; SCN1A-related condition.
Severe myoclonic epilepsy in infancy (DRVT). Also called: Epileptic encephalopathy, early infantile, 6 (Dravet syndrome); SEVERE MYOCLONIC EPILEPSY OF INFANCY; DEVELOPMENTAL AND EPILEPTIC ENCEPHALOPATHY 6A; Severe Myoclonic Epilepsy in Infancy (SMEI); Dravet syndrome. Identifiers: Orphanet 33069, MedGen C0751122, MONDO:0100135, OMIM 607208.

Allele frequency attached by ClinVar (database versions not stated): gnomAD exomes below 0.00001.
gnomAD v4.1: 1 of 1,614,168 alleles (0.000062%); highest among the groups gnomAD compares: Non-Finnish European, 0.000085%; no homozygotes.

Submissions (3):

Labcorp Genetics (formerly Invitae), Labcorp
Classification: Pathogenic for Early-infantile DEE. Last evaluated: 2025-01-28. Review status: criteria provided, single submitter. Criteria: Invitae Variant Classification Sherloc (09022015). Collection method: clinical testing. Allele origin: germline.
Comment: This sequence change replaces cysteine, which is neutral and slightly polar, with phenylalanine, which is neutral and non-polar, at codon 927 of the SCN1A protein (p.Cys927Phe). This variant is not present in population databases (gnomAD no frequency). This missense change has been observed in individual(s) with Dravet syndrome (PMID: 18930999, 29573403, 32090326). ClinVar contains an entry for this variant (Variation ID: 189978). Invitae Evidence Modeling of protein sequence and biophysical properties (such as structural, functional, and spatial information, amino acid conservation, physicochemical variation, residue mobility, and thermodynamic stability) indicates that this missense variant is expected to disrupt SCN1A protein function with a positive predictive value of 95%. For these reasons, this variant has been classified as Pathogenic.

PreventionGenetics, part of Exact Sciences
Classification: Uncertain significance for SCN1A-related condition. Last evaluated: 2022-10-18. Review status: criteria provided, single submitter. Criteria: ACMG Guidelines, 2015. Collection method: clinical testing. Allele origin: germline.
Comment: The SCN1A c.2780G>T variant is predicted to result in the amino acid substitution p.Cys927Phe. This variant was reported in two individuals with Dravet syndrome (E-Table B, Depienne et al 2009. PubMed ID: 18930999; reported as p.Cys927Phe in Table 1, Tian et al 2018. PubMed ID: 29573403; Table S1, Brunklaus et al 2020. PubMed ID: 32090326). This variant has not been reported in a large population database, indicating this variant is rare. We suspect this variant may be pathogenic. However, at this time, the clinical significance is uncertain due to the absence of conclusive functional and genetic evidence.

Center for Bioinformatics, Peking University
Classification: Pathogenic for Dravet syndrome. Last evaluated: 2014-12-20. Review status: criteria provided, single submitter. Criteria: Xu et al. (Hum Mutat. 2015). Collection method: research. Allele origin: de novo. Affected: yes. Observed: 2 variant alleles. Study: University Clinical Cooperation “985 Project” PKU-2014-1-1.
Comment: Dravet syndrome (DS) probands were recruited from the outpatient and inpatient child neurology units of Peking University First Hospital from 2005 till present. The study was approved by the Ethics Committee of Peking University First Hospital and the Institutional Review Board at Peking University. Participants or their parents provided written informed consent before enrollment. We collected a total of 267 mutations from 255 families with probands diagnosed with DS in China. All probands fulfilled the clinical diagnostic criteria.

Literature cited by the submitters: PubMed 18930999 (cited by Labcorp Genetics (formerly Invitae), Labcorp); PubMed 29573403 (cited by Labcorp Genetics (formerly Invitae), Labcorp); PubMed 32090326 (cited by Labcorp Genetics (formerly Invitae), Labcorp).

NM_001165963.4(SCN1A):c.2780G>T (p.Cys927Phe)

Gene: SCN1A (sodium voltage-gated channel alpha subunit 1; minus strand). Cytogenetic location: 2q24.3.
Variant type: single nucleotide variant.
Coding change: c.2780G>T on transcript NM_001165963.4 (MANE Select); coding-DNA position 2780, G replaced by T.
Protein change: p.Cys927Phe; replaces cysteine 927 with phenylalanine.
Molecular consequence: missense variant. On other transcripts: non-coding transcript variant (1).
Genome position (GRCh38, 1-based): chr2:166,037,942, C>A on the plus strand (G>T on the coding strand, the complement: SCN1A is on the minus strand). VCF-style: chr2-166037942-C-A. GRCh37 (hg19) VCF-style: chr2-166894452-C-A.
Other names: c.2780G>T (NM_001202435.1); c.2696G>T, p.Cys899Phe (NM_001165964.3, NM_001353957.2, NM_001353958.2); c.2780G>T, p.Cys927Phe (NM_001202435.3, NM_001353948.2); c.2747G>T, p.Cys916Phe (NM_001353949.2, NM_001353950.2, NM_001353951.2 and 2 more transcripts); c.2744G>T, p.Cys915Phe (NM_001353954.2, NM_001353955.2); c.2693G>T, p.Cys898Phe (NM_001353960.2); c.338G>T, p.Cys113Phe (NM_001353961.2); short protein forms C916F, C927F, C898F, C899F, C113F, C915F.
Identifiers: ClinVar variation 189978 (VCV000189978.4), dbSNP rs794726811, ClinGen allele CA303467.